The following is an entry in ClinVar:

ClinVar aggregate classification (germline): Conflicting classifications of pathogenicity. Review status: criteria provided, conflicting classifications (1 of 4 stars). 7 submissions from 7 submitters: Uncertain significance (6); Likely benign (1). Last evaluated 2025-12-29.

Conditions:
Renal cell carcinoma. Identifiers: Orphanet 217071, MedGen C0007134, MeSH D002292, MONDO:0005086, HP:0005584.
Osteofibrous dysplasia (OSFD). Also called: Tibia, bowing of, with pseudarthrosis and pectus excavatum. Identifiers: Orphanet 488265, MedGen C4085248, MONDO:0011806, OMIM 607278.
Hepatocellular carcinoma (HCC). Also called: Primary carcinoma of liver; HEPATOMA; LIVER CELL CARCINOMA. Identifiers: Orphanet 88673, MedGen C2239176, MONDO:0007256, OMIM 114550, HP:0001402.
Papillary renal cell carcinoma type 1 (RCCP1). Also called: RENAL CELL CARCINOMA, PAPILLARY, 1, SOMATIC; Renal adenocarcinoma; Renal cell carcinoma 1; Renal cell carcinoma, somatic. Identifiers: Orphanet 47044, MedGen C1336839, OMIM 605074, HP:0011797.
Autosomal recessive nonsyndromic hearing loss 97. Also called: Deafness, autosomal recessive 97. Identifiers: Orphanet 90636, MedGen C4084709, MONDO:0014739, OMIM 616705.
Hereditary cancer-predisposing syndrome. Also called: Tumor predisposition; Hereditary Cancer Syndrome; Hereditary neoplastic syndrome; Neoplastic Syndromes, Hereditary. Identifiers: Orphanet 140162, MedGen C0027672, MeSH D009386, MONDO:0015356.

Allele frequency attached by ClinVar (database versions not stated): TOPMed 0.00002; gnomAD 0.00006.
gnomAD v4.1: 64 of 1,613,966 alleles (0.004%); highest among the groups gnomAD compares: Non-Finnish European, 0.0053%; no homozygotes.

Submissions (7):

Center for Genomic Medicine, Rigshospitalet, Copenhagen University Hospital
Classification: Uncertain significance. Last evaluated: 2025-12-29. Review status: criteria provided, single submitter. Criteria: ACMG Guidelines, 2015. Collection method: clinical testing. Allele origin: germline.

Labcorp Genetics (formerly Invitae), Labcorp
Classification: Uncertain significance for Renal cell carcinoma. Last evaluated: 2025-12-24. Review status: criteria provided, single submitter. Criteria: Invitae Variant Classification Sherloc (09022015). Collection method: clinical testing. Allele origin: germline.
Comment: This sequence change replaces threonine, which is neutral and polar, with asparagine, which is neutral and polar, at codon 273 of the MET protein (p.Thr273Asn). This variant is present in population databases (rs368144654, gnomAD 0.005%). This variant has not been reported in the literature in individuals affected with MET-related conditions. ClinVar contains an entry for this variant (Variation ID: 485734). Invitae Evidence Modeling of protein sequence and biophysical properties (such as structural, functional, and spatial information, amino acid conservation, physicochemical variation, residue mobility, and thermodynamic stability) indicates that this missense variant is not expected to disrupt MET protein function with a negative predictive value of 80%. In summary, the available evidence is currently insufficient to determine the role of this variant in disease. Therefore, it has been classified as a Variant of Uncertain Significance.

GeneDx
Classification: Uncertain significance. Last evaluated: 2025-06-17. Review status: criteria provided, single submitter. Criteria: GeneDx Variant Classification Process June 2021. Collection method: clinical testing. Allele origin: germline. Affected: yes.
Comment: Has not been previously published as a germline pathogenic or benign variant to our knowledge; In silico analysis suggests that this missense variant does not alter protein structure/function; This variant is associated with the following publications: (PMID: Sykorova[poster]2015)

Baylor Genetics
Classification: Uncertain significance for Autosomal recessive nonsyndromic hearing loss 97. Last evaluated: 2023-08-05. Review status: criteria provided, single submitter. Criteria: ACMG Guidelines, 2015. Collection method: clinical testing. Allele origin: unknown.

Ambry Genetics
Classification: Likely benign for Hereditary cancer-predisposing syndrome. Last evaluated: 2023-02-14. Review status: criteria provided, single submitter. Criteria: Ambry Variant Classification Scheme 2023. Collection method: clinical testing. Allele origin: germline.

Institute for Clinical Genetics, University Hospital TU Dresden, University Hospital TU Dresden
Classification: Uncertain significance. Last evaluated: 2021-11-03. Review status: criteria provided, single submitter. Criteria: ACMG Guidelines, 2015. Collection method: clinical testing. Allele origin: germline.

Fulgent Genetics
Classification: Uncertain significance for Hepatocellular carcinoma; Papillary renal cell carcinoma type 1; Osteofibrous dysplasia; Autosomal recessive nonsyndromic hearing loss 97. Last evaluated: 2021-07-04. Review status: criteria provided, single submitter. Criteria: ACMG Guidelines, 2015. Collection method: clinical testing. Allele origin: unknown.

NM_000245.4(MET):c.818C>A (p.Thr273Asn)

Gene: MET (MET proto-oncogene, receptor tyrosine kinase; plus strand). Cytogenetic location: 7q31.2.
Variant type: single nucleotide variant.
Coding change: c.818C>A on transcript NM_000245.4 (MANE Select); coding-DNA position 818, C replaced by A.
Protein change: p.Thr273Asn; replaces threonine 273 with asparagine.
Molecular consequence: missense variant. On other transcripts: intron variant (1).
Genome position (GRCh38, 1-based): chr7:116,699,902, C>A. VCF-style: chr7-116699902-C-A. GRCh37 (hg19) VCF-style: chr7-116339956-C-A.
Other names: c.818C>A, p.Thr273Asn (NM_001127500.3, NM_001324401.3); c.-91+27325C>A (NM_001324402.2); short protein forms T273N.
Identifiers: ClinVar variation 485734 (VCV000485734.21), dbSNP rs368144654, ClinGen allele CA4448034.
Genomic context (GRCh38, chr7:116,699,902, plus strand): 5'-TTGAAAGCAACAATTTTATTTACTTCTTGACGGTCCAAAGGGAAACTCTAGATGCTCAGA[C>A]TTTTCACACAAGAATAATCAGGTTCTGTTCCATAAACTCTGGATTGCATTCCTACATGGA-3'
Protein context (NP_000236.2, residues 263-283): TVQRETLDAQ[Thr273Asn]FHTRIIRFCS